The following is an entry in ClinVar:

NM_015981.4(CAMK2A):c.1320C>G (p.Ile440Met)

Gene: CAMK2A (calcium/calmodulin dependent protein kinase II alpha; minus strand). Cytogenetic location: 5q32.
Variant type: single nucleotide variant.
Coding change: c.1320C>G on transcript NM_015981.4 (MANE Select); coding-DNA position 1320, C replaced by G.
Protein change: p.Ile440Met; replaces isoleucine 440 with methionine.
Molecular consequence: missense variant.
Genome position (GRCh38, 1-based): chr5:150,223,135, G>C on the plus strand (C>G on the coding strand, the complement: CAMK2A is on the minus strand). VCF-style: chr5-150223135-G-C. GRCh37 (hg19) VCF-style: chr5-149602698-G-C.
Other names: c.1320C>G, p.Ile440Met (NM_001363989.1); c.1287C>G, p.Ile429Met (NM_001363990.1, NM_001369025.2, NM_171825.3); short protein forms I429M, I440M.
Identifiers: ClinVar variation 3900888 (VCV003900888.1).
Genomic context (GRCh38, chr5:150,223,135, plus strand): 5'-CGACTGGGCGGTGCGTGGGATGCCGCCAGCGTCCAGGTACTGCGTGATGCGGATGTAGGC[G>C]ATGCAGGCTGACTCGTCGCCCATCAGGTGGATGTGGGGATTCAGGATGGTGGTGTGCACG-3'
Protein context (NP_057065.2, residues 430-450): IHLMGDESAC[Ile440Met]AYIRITQYLD

ClinVar aggregate classification (germline): Uncertain significance (1 of 4 stars; one submission).

Submission:

GeneDx
Classification: Uncertain significance. Last evaluated: 2024-11-28. Review status: criteria provided, single submitter. Criteria: GeneDx Variant Classification Process June 2021. Collection method: clinical testing. Allele origin: germline. Affected: yes.
Comment: Not observed at significant frequency in large population cohorts (gnomAD); In silico analysis supports that this missense variant has a deleterious effect on protein structure/function; Has not been previously published as pathogenic or benign to our knowledge